The following is an entry in ClinVar:

ClinVar aggregate classification (germline): Uncertain significance (1 of 4 stars; one submission).

Conditions:
Propionic acidemia (PROP). Also called: GLYCINEMIA, KETOTIC; HYPERGLYCINEMIA WITH KETOACIDOSIS AND LEUKOPENIA; KETOTIC HYPERGLYCINEMIA. Identifiers: Orphanet 35, MedGen C0268579, MONDO:0011628, OMIM 606054, HP:0003571.

gnomAD v4.1: 1 of 1,500,712 alleles (0.000067%); highest among the groups gnomAD compares: Non-Finnish European, 0.000093%; no homozygotes.

Submission:

Labcorp Genetics (formerly Invitae), Labcorp
Classification: Uncertain significance for Propionic acidemia. Last evaluated: 2025-01-01. Review status: criteria provided, single submitter. Criteria: Invitae Variant Classification Sherloc (09022015). Collection method: clinical testing. Allele origin: germline.
Comment: This sequence change replaces aspartic acid, which is acidic and polar, with valine, which is neutral and non-polar, at codon 265 of the PCCA protein (p.Asp265Val). This variant is not present in population databases (gnomAD no frequency). This variant has not been reported in the literature in individuals affected with PCCA-related conditions. Invitae Evidence Modeling of protein sequence and biophysical properties (such as structural, functional, and spatial information, amino acid conservation, physicochemical variation, residue mobility, and thermodynamic stability) has been performed for this missense variant. However, the output from this modeling did not meet the statistical confidence thresholds required to predict the impact of this variant on PCCA protein function. In summary, the available evidence is currently insufficient to determine the role of this variant in disease. Therefore, it has been classified as a Variant of Uncertain Significance.

NM_000282.4(PCCA):c.794A>T (p.Asp265Val)

Gene: PCCA (propionyl-CoA carboxylase subunit alpha; plus strand). Cytogenetic location: 13q32.3.
Variant type: single nucleotide variant.
Coding change: c.794A>T on transcript NM_000282.4 (MANE Select); coding-DNA position 794, A replaced by T.
Protein change: p.Asp265Val; replaces aspartic acid 265 with valine.
Molecular consequence: missense variant. On other transcripts: 5 prime UTR variant (3), non-coding transcript variant (5).
Genome position (GRCh38, 1-based): chr13:100,262,806, A>T. VCF-style: chr13-100262806-A-T. GRCh37 (hg19) VCF-style: chr13-100915060-A-T.
Other names: c.716A>T, p.Asp239Val (NM_001127692.3, NM_001352607.2, NM_001352608.2); c.794A>T, p.Asp265Val (NM_001178004.2, NM_001352605.2, NM_001352606.2 and 1 more transcripts); c.-152A>T (NM_001352610.2, NM_001352611.2, NM_001352612.2); short protein forms D239V, D265V.
Identifiers: ClinVar variation 3687882 (VCV003687882.2).